The following is an entry in ClinVar:

ClinVar aggregate classification (germline): Uncertain significance (1 of 4 stars; one submission).

Submission:

GeneDx
Classification: Uncertain significance. Last evaluated: 2025-10-11. Review status: criteria provided, single submitter. Criteria: GeneDx Variant Classification Process June 2021. Collection method: clinical testing. Allele origin: germline.
Comment: Identified in two families with dystonia with or without additional features (PMID: 37485550); Frameshift variant predicted to result in protein truncation or nonsense mediated decay in a gene or region of a gene for which loss of function is not a well-established mechanism of disease; Not observed at significant frequency in large population cohorts (gnomAD); This variant is associated with the following publications: (PMID: 37485550)

NM_001967.4(EIF4A2):c.896_897del (p.Thr299fs)

Gene: EIF4A2 (eukaryotic translation initiation factor 4A2; plus strand). Cytogenetic location: 3q27.3.
Variant type: Microsatellite.
Coding change: c.896_897del on transcript NM_001967.4 (MANE Select); coding-DNA positions 896 to 897, 2 bases deleted (CA; older notation c.896_897delCA).
Protein change: p.Thr299fs; shifts the reading frame from threonine 299.
Molecular consequence: frameshift variant.
Genome position (GRCh38, 1-based): chr3:186,787,251-186,787,252, CA deleted; deleting any 2 consecutive bases within chr3:186,787,249-186,787,252 gives the same sequence; the c. name uses the placement nearest the transcript's 3' end. VCF-style (leftmost placement, unchanged base first): chr3-186787248-TCA-T. GRCh37 (hg19) VCF-style: chr3-186505037-TCA-T.
Other names: short protein forms T299fs.
Identifiers: ClinVar variation 2504658 (VCV002504658.2), dbSNP rs1721782941, ClinGen allele CA1427099322.